The following is an entry in ClinVar:

NM_177438.3(DICER1):c.1574G>A (p.Gly525Asp)

Gene: DICER1 (dicer 1, ribonuclease III; minus strand). Cytogenetic location: 14q32.13.
Variant type: single nucleotide variant.
Coding change: c.1574G>A on transcript NM_177438.3 (MANE Select); coding-DNA position 1574, G replaced by A.
Protein change: p.Gly525Asp; replaces glycine 525 with aspartic acid.
Molecular consequence: missense variant. On other transcripts: non-coding transcript variant (6), intron variant (1).
Genome position (GRCh38, 1-based): chr14:95,116,631, C>T on the plus strand (G>A on the coding strand, the complement: DICER1 is on the minus strand). VCF-style: chr14-95116631-C-T. GRCh37 (hg19) VCF-style: chr14-95582968-C-T.
Other names: c.1574G>A, p.Gly525Asp (NM_001195573.1, NM_001271282.3, NM_001291628.2 and 13 more transcripts); c.1292G>A, p.Gly431Asp (NM_001395686.1); c.1169G>A, p.Gly390Asp (NM_001395687.1, NM_001395688.1, NM_001395689.1 and 3 more transcripts); c.1007G>A, p.Gly336Asp (NM_001395691.1); c.-59-51G>A (NM_001395697.1); short protein forms G336D, G390D, G525D, G431D.
Identifiers: ClinVar variation 1775557 (VCV001775557.8), dbSNP rs2140125560, ClinGen allele CA390885043.

ClinVar aggregate classification (germline): Uncertain significance. Review status: criteria provided, multiple submitters, no conflicts (2 of 4 stars). 2 submissions from 2 submitters: Uncertain significance (2). Last evaluated 2025-11-26.

Conditions:
Hereditary cancer-predisposing syndrome. Also called: Tumor predisposition; Neoplastic Syndromes, Hereditary; Hereditary Cancer Syndrome; Hereditary neoplastic syndrome. Identifiers: Orphanet 140162, MedGen C0027672, MeSH D009386, MONDO:0015356.
DICER1-related tumor predisposition. Also called: DICER1-related pleuropulmonary blastoma cancer predisposition syndrome; DICER1 syndrome. Identifiers: Orphanet 284343, MedGen C3839822, MONDO:0100216.

Submissions (2):

Ambry Genetics
Classification: Uncertain significance for Hereditary cancer-predisposing syndrome. Last evaluated: 2025-11-26. Review status: criteria provided, single submitter. Criteria: Ambry Variant Classification Scheme 2023. Collection method: clinical testing. Allele origin: germline.
Comment: The p.G525D variant (also known as c.1574G>A), located in coding exon 9 of the DICER1 gene, results from a G to A substitution at nucleotide position 1574. The glycine at codon 525 is replaced by aspartic acid, an amino acid with similar properties. This amino acid position is highly conserved in available vertebrate species. In addition, this alteration is predicted to be deleterious by in silico analysis. Based on the available evidence, the clinical significance of this variant remains unclear.

Labcorp Genetics (formerly Invitae), Labcorp
Classification: Uncertain significance for DICER1-related tumor predisposition. Last evaluated: 2024-05-08. Review status: criteria provided, single submitter. Criteria: Invitae Variant Classification Sherloc (09022015). Collection method: clinical testing. Allele origin: germline.
Comment: This sequence change replaces glycine, which is neutral and non-polar, with aspartic acid, which is acidic and polar, at codon 525 of the DICER1 protein (p.Gly525Asp). This variant is not present in population databases (gnomAD no frequency). This variant has not been reported in the literature in individuals affected with DICER1-related conditions. ClinVar contains an entry for this variant (Variation ID: 1775557). Advanced modeling of protein sequence and biophysical properties (such as structural, functional, and spatial information, amino acid conservation, physicochemical variation, residue mobility, and thermodynamic stability) performed at Invitae indicates that this missense variant is expected to disrupt DICER1 protein function with a positive predictive value of 80%. In summary, the available evidence is currently insufficient to determine the role of this variant in disease. Therefore, it has been classified as a Variant of Uncertain Significance.